The following is an entry in ClinVar:

NM_000147.5(FUCA1):c.1226A>T (p.Asn409Ile)

Gene: FUCA1 (alpha-L-fucosidase 1; minus strand). Cytogenetic location: 1p36.11.
Variant type: single nucleotide variant.
Coding change: c.1226A>T on transcript NM_000147.5 (MANE Select); coding-DNA position 1226, A replaced by T.
Protein change: p.Asn409Ile; replaces asparagine 409 with isoleucine.
Molecular consequence: missense variant. On other transcripts: non-coding transcript variant (4).
Genome position (GRCh38, 1-based): chr1:23,846,108, T>A on the plus strand (A>T on the coding strand, the complement: FUCA1 is on the minus strand). VCF-style: chr1-23846108-T-A. GRCh37 (hg19) VCF-style: chr1-24172598-T-A.
Other names: short protein forms N409I.
Identifiers: ClinVar variation 2058486 (VCV002058486.4), dbSNP rs1349221851, ClinGen allele CA339034460.

ClinVar aggregate classification (germline): Uncertain significance (1 of 4 stars; one submission).

Conditions:
Fucosidosis. Also called: ALPHA-L-FUCOSIDASE DEFICIENCY. Identifiers: Orphanet 349, MedGen C0016788, MONDO:0009254, OMIM 230000.

Allele frequency attached by ClinVar (database versions not stated): gnomAD exomes below 0.00001.
gnomAD v4.1: 1 of 1,614,108 alleles (0.000062%); highest among the groups gnomAD compares: Admixed American, 0.0017%; no homozygotes.

Submission:

Labcorp Genetics (formerly Invitae), Labcorp
Classification: Uncertain significance for Fucosidosis. Last evaluated: 2022-02-03. Review status: criteria provided, single submitter. Criteria: Invitae Variant Classification Sherloc (09022015). Collection method: clinical testing. Allele origin: germline.
Comment: This sequence change replaces asparagine, which is neutral and polar, with isoleucine, which is neutral and non-polar, at codon 409 of the FUCA1 protein (p.Asn409Ile). In summary, the available evidence is currently insufficient to determine the role of this variant in disease. Therefore, it has been classified as a Variant of Uncertain Significance. Algorithms developed to predict the effect of missense changes on protein structure and function (SIFT, PolyPhen-2, Align-GVGD) all suggest that this variant is likely to be tolerated. This variant has not been reported in the literature in individuals affected with FUCA1-related conditions. This variant is present in population databases (no rsID available, gnomAD 0.003%).